The following is an entry in ClinVar:

ClinVar aggregate classification (germline): Uncertain significance (1 of 4 stars; one submission).

gnomAD v4.1: 2 of 1,537,340 alleles (0.00013%); highest among the groups gnomAD compares: South Asian, 0.0012%; no homozygotes.

Submission:

Labcorp Genetics (formerly Invitae), Labcorp
Classification: Uncertain significance. Last evaluated: 2022-10-13. Review status: criteria provided, single submitter. Criteria: Invitae Variant Classification Sherloc (09022015). Collection method: clinical testing. Allele origin: germline.
Comment: In summary, the available evidence is currently insufficient to determine the role of this variant in disease. Therefore, it has been classified as a Variant of Uncertain Significance. Algorithms developed to predict the effect of missense changes on protein structure and function (SIFT, PolyPhen-2, Align-GVGD) all suggest that this variant is likely to be tolerated. This variant has not been reported in the literature in individuals affected with DTHD1-related conditions. This variant is not present in population databases (gnomAD no frequency). This sequence change replaces threonine, which is neutral and polar, with isoleucine, which is neutral and non-polar, at codon 118 of the DTHD1 protein (p.Thr118Ile).

NM_001170700.3(DTHD1):c.1223C>T (p.Thr408Ile)

Gene: DTHD1 (death domain containing 1; plus strand). Cytogenetic location: 4p14.
Variant type: single nucleotide variant.
Coding change: c.1223C>T on transcript NM_001170700.3 (MANE Select); coding-DNA position 1223, C replaced by T.
Protein change: p.Thr408Ile; replaces threonine 408 with isoleucine.
Molecular consequence: missense variant. On other transcripts: non-coding transcript variant (1), intron variant (1).
Genome position (GRCh38, 1-based): chr4:36,293,530, C>T. VCF-style: chr4-36293530-C-T. GRCh37 (hg19) VCF-style: chr4-36295152-C-T.
Other names: c.353C>T, p.Thr118Ile (NM_001136536.5); c.349-59C>T (NM_001378435.1); short protein forms T408I, T118I.
Identifiers: ClinVar variation 2096898 (VCV002096898.4), dbSNP rs765224946, ClinGen allele CA356679329.